The following is an entry in ClinVar:

ClinVar aggregate classification (germline): Uncertain significance (1 of 4 stars; one submission).

Submission:

GeneDx
Classification: Uncertain significance. Last evaluated: 2019-11-25. Review status: criteria provided, single submitter. Criteria: GeneDx Variant Classification Process June 2021. Collection method: clinical testing. Allele origin: germline. Affected: yes.
Comment: Not observed at a significant frequency in large population cohorts (Lek et al., 2016); Has not been previously published as pathogenic or benign to our knowledge; In silico analysis, which includes splice predictors and evolutionary conservation, suggests this variant may impact gene splicing. In the absence of RNA/functional studies, the actual effect of this sequence change is unknown

NM_014727.3(KMT2B):c.2133C>A (p.Val711=)

Gene: KMT2B (lysine methyltransferase 2B; plus strand). Cytogenetic location: 19q13.12.
Variant type: single nucleotide variant.
Coding change: c.2133C>A on transcript NM_014727.3 (MANE Select); coding-DNA position 2133, C replaced by A.
Protein change: p.Val711=; no amino-acid change (valine 711 retained).
Molecular consequence: synonymous variant.
Genome position (GRCh38, 1-based): chr19:35,721,480, C>A. VCF-style: chr19-35721480-C-A. GRCh37 (hg19) VCF-style: chr19-36212382-C-A.
Identifiers: ClinVar variation 1310577 (VCV001310577.2), dbSNP rs753113975, ClinGen allele CA507306255.